The following is an entry in ClinVar:

NM_000545.8(HNF1A):c.572G>A (p.Gly191Asp)

Gene: HNF1A (HNF1 homeobox A; plus strand). Cytogenetic location: 12q24.31.
Variant type: single nucleotide variant.
Coding change: c.572G>A on transcript NM_000545.8 (MANE Select); coding-DNA position 572, G replaced by A.
Protein change: p.Gly191Asp; replaces glycine 191 with aspartic acid.
Molecular consequence: missense variant.
Genome position (GRCh38, 1-based): chr12:120,993,565, G>A. VCF-style: chr12-120993565-G-A. GRCh37 (hg19) VCF-style: chr12-121431368-G-A.
Other names: NM_001306179.2:c.572G>A; c.572G>A, p.Gly191Asp (NM_001306179.2, NM_001406915.1); short protein forms G191D.
Identifiers: ClinVar variation 4687884 (VCV004687884.2).

ClinVar aggregate classification (germline): Uncertain significance. Review status: reviewed by expert panel (3 of 4 stars). 2 submissions from 2 submitters: Uncertain significance (1). 1 of the submissions does not count toward it. Last evaluated 2026-01-22.

Conditions:
Monogenic diabetes. Identifiers: Orphanet 183625, MedGen C3888631, MONDO:0015967.

gnomAD v4.1: 5 of 1,614,178 alleles (0.00031%); highest among the groups gnomAD compares: East Asian, 0.011%; no homozygotes.

Submissions (2):

ClinGen Monogenic Diabetes Variant Curation Expert Panel
Classification: Uncertain significance for Monogenic diabetes. Last evaluated: 2026-01-22. Review status: reviewed by expert panel. Criteria: ClinGen Diabetes ACMG Specifications HNF1A V3.1.0. Collection method: curation. Allele origin: germline. Inheritance: Autosomal dominant inheritance.
Comment: The c.572G>A variant in the HNF1 homeobox A gene, HNF1A, causes an amino acid change of glycine to aspartic acid at codon 191 (p.(Gly191Asp)) of NM_000545.8. This variant has a Grpmax Filtering allele frequency in gnomAD v4.1.0 of 0.00004345, which is greater than the MDEP threshold for BS1 (0.000033) (BS1). While studies exploring the effect of this variant on protein function have been performed, these studies do not meet the criteria set forth by the MDEP for the application of PS3 or BS3 (PMID: 10581189). This variant was identified in two unrelated individuals with non-autoimmune and non-absolute/near-absolute insulin-deficient diabetes; however, PS4_Moderate cannot be applied because this number is below the ClinGen MDEP threshold and PP4 cannot be applied as there is insufficient clinical information to use the MODY probability calculator (PMIDs: 9287053, 29927023). This variant segregated with diabetes with one informative meiosis in a single family; however, this does not meet the thresholds for PP1 set by the ClinGen MDEP (PMID: 9287053). This variant has a REVEL score of 0.624, which is between the ClinGen MDEP thresholds for BP4 and PP3, predicting neither a damaging nor benign impact on HNF1A function. In summary, c.572G>A meets the criteria to be classified as a variant of uncertain significance for monogenic diabetes. ACMG/AMP criteria applied, as specified by the ClinGen MDEP (specification version 3.1.0, approved 10/10/2025): BS1.

Labcorp Genetics (formerly Invitae), Labcorp
Classification: Uncertain significance. Last evaluated: 2025-08-18. Review status: criteria provided, single submitter. Criteria: Invitae Variant Classification Sherloc (09022015). Collection method: clinical testing. Allele origin: germline. Not counted in ClinVar's aggregate classification.
Comment: This sequence change replaces glycine, which is neutral and non-polar, with aspartic acid, which is acidic and polar, at codon 191 of the HNF1A protein (p.Gly191Asp). This variant is not present in population databases (gnomAD no frequency). This missense change has been observed in individual(s) with maturity-onset diabetes of the young and/or type 2 diabetes (PMID: 10581189, 29927023). Invitae Evidence Modeling of protein sequence and biophysical properties (such as structural, functional, and spatial information, amino acid conservation, physicochemical variation, residue mobility, and thermodynamic stability) indicates that this missense variant is not expected to disrupt HNF1A protein function with a negative predictive value of 80%. Experimental studies are conflicting or provide insufficient evidence to determine the effect of this variant on HNF1A function (PMID: 10581189). In summary, the available evidence is currently insufficient to determine the role of this variant in disease. Therefore, it has been classified as a Variant of Uncertain Significance.

Literature cited by the submitters: PubMed 9287053 (cited by ClinGen Monogenic Diabetes Variant Curation Expert Panel); PubMed 29927023 (cited by ClinGen Monogenic Diabetes Variant Curation Expert Panel and Labcorp Genetics (formerly Invitae), Labcorp); PubMed 10581189 (cited by Labcorp Genetics (formerly Invitae), Labcorp).